The following is an entry in ClinVar:

NM_000264.5(PTCH1):c.4002C>A (p.Ser1334Arg)

Gene: PTCH1 (patched 1; minus strand). Cytogenetic location: 9q22.32.
Variant type: single nucleotide variant.
Coding change: c.4002C>A on transcript NM_000264.5 (MANE Select); coding-DNA position 4002, C replaced by A.
Protein change: p.Ser1334Arg; replaces serine 1334 with arginine.
Molecular consequence: missense variant. On other transcripts: non-coding transcript variant (1).
Genome position (GRCh38, 1-based): chr9:95,447,254, G>T on the plus strand (C>A on the coding strand, the complement: PTCH1 is on the minus strand). VCF-style: chr9-95447254-G-T. GRCh37 (hg19) VCF-style: chr9-98209536-G-T.
Other names: c.3804C>A, p.Ser1268Arg (NM_001083602.3); c.3999C>A, p.Ser1333Arg (NM_001083603.3); c.3549C>A, p.Ser1183Arg (NM_001083604.3, NM_001083605.3, NM_001083606.3 and 1 more transcripts); c.3846C>A, p.Ser1282Arg (NM_001354918.2); short protein forms S1183R, S1268R, S1282R, S1333R, S1334R.
Identifiers: ClinVar variation 1061192 (VCV001061192.9), dbSNP rs933654875, ClinGen allele CA374110501.
Genomic context (GRCh38, chr9:95,447,254, plus strand): 5'-GGACGCTGGGTTCCGAGGGTTGTGAGAACGGGCCCCGCGAGGGCCCCAGCGGGCCCTATT[G>T]CTAGGGCCAGAATGCCCTTCAGTAGAAATTTCAAAAGCGTCTCTGCGCGGTCTGTAGGGG-3'
Protein context (NP_000255.2, residues 1324-1344): EISTEGHSGP[Ser1334Arg]NRARWGPRGA

ClinVar aggregate classification (germline): Uncertain significance (1 of 4 stars; one submission).

Conditions:
Gorlin syndrome. Also called: Basal cell nevus syndrome; Nevoid Basal Cell Carcinoma Syndrome. Identifiers: Orphanet 377, MedGen C0004779, MONDO:0007187.

Submission:

Labcorp Genetics (formerly Invitae), Labcorp
Classification: Uncertain significance for Gorlin syndrome. Last evaluated: 2020-03-31. Review status: criteria provided, single submitter. Criteria: Invitae Variant Classification Sherloc (09022015). Collection method: clinical testing. Allele origin: germline.
Comment: This sequence change replaces serine with arginine at codon 1334 of the PTCH1 protein (p.Ser1334Arg). The serine residue is weakly conserved and there is a moderate physicochemical difference between serine and arginine. This variant is not present in population databases (ExAC no frequency). In summary, the available evidence is currently insufficient to determine the role of this variant in disease. Therefore, it has been classified as a Variant of Uncertain Significance. Algorithms developed to predict the effect of missense changes on protein structure and function (SIFT, PolyPhen-2, Align-GVGD) all suggest that this variant is likely to be tolerated, but these predictions have not been confirmed by published functional studies and their clinical significance is uncertain. This variant has not been reported in the literature in individuals with PTCH1-related conditions.